The following is an entry in ClinVar:

ClinVar aggregate classification (germline): Uncertain significance (1 of 4 stars; one submission).

Conditions:
Brugada syndrome 6 (BRGDA6). Identifiers: Orphanet 130, MedGen C2751089, MONDO:0013145, OMIM 613119.

Submission:

Labcorp Genetics (formerly Invitae), Labcorp
Classification: Uncertain significance for Brugada syndrome 6. Last evaluated: 2025-10-26. Review status: criteria provided, single submitter. Criteria: Invitae Variant Classification Sherloc (09022015). Collection method: clinical testing. Allele origin: germline.
Comment: This sequence change creates a premature translational stop signal (p.Val94Cysfs*9) in the KCNE3 gene. While this is not anticipated to result in nonsense mediated decay, it is expected to disrupt the last 10 amino acid(s) of the KCNE3 protein. This variant is not present in population databases (gnomAD no frequency). This variant has not been reported in the literature in individuals affected with KCNE3-related conditions. Experimental studies and prediction algorithms are not available or were not evaluated, and the functional significance of this variant is currently unknown. In summary, the available evidence is currently insufficient to determine the role of this variant in disease. Therefore, it has been classified as a Variant of Uncertain Significance.

NM_005472.5(KCNE3):c.280del (p.Val94fs)

Gene: KCNE3 (potassium voltage-gated channel subfamily E regulatory subunit 3; minus strand). Cytogenetic location: 11q13.4.
Variant type: Deletion.
Coding change: c.280del on transcript NM_005472.5 (MANE Select); coding-DNA position 280, one base deleted (G; older notation c.280delG).
Protein change: p.Val94fs; shifts the reading frame from valine 94.
Molecular consequence: frameshift variant.
Genome position (GRCh38, 1-based): chr11:74,457,284, C deleted on the plus strand (G on the coding strand, the reverse complement: KCNE3 is on the minus strand). VCF-style (leftmost placement, unchanged base first): chr11-74457283-AC-A. GRCh37 (hg19) VCF-style: chr11-74168328-AC-A.
Other names: short protein forms V94fs.
Identifiers: ClinVar variation 4729488 (VCV004729488.1), dbSNP rs786205809.
Genomic context (GRCh38, chr11:74,457,283, plus strand): 5'-TGGTCTTCCACCGTCCCAGCCCTCTCGTGTTAGATCATAGACACACGGTTCTTGATATAC[AC>A]ATGATAGGGGTCACTACGCTTGTCCACTTTGCGGGAGCGGGTGTATCCCAGGATGAGGCT-3'